The following is an entry in ClinVar:

ClinVar aggregate classification (germline): Conflicting classifications of pathogenicity. Review status: criteria provided, conflicting classifications (1 of 4 stars). 6 submissions from 6 submitters: Likely pathogenic (1); Uncertain significance (5). Last evaluated 2026-03-27.

Conditions:
CACNA1C-related disorder. Also called: CACNA1C-related disorders; CACNA1C-related condition. Identifiers: MedGen CN381092, MONDO:0700321.
Cardiovascular phenotype. Identifiers: MedGen CN230736.
Long QT syndrome (LQTS). Identifiers: MedGen C0023976, MeSH D008133, MONDO:0002442. Disease mechanism: loss of function. Inheritance: Various modes of inheritance.

Allele frequency attached by ClinVar (database versions not stated): gnomAD exomes below 0.00001.
gnomAD v4.1: 3 of 1,596,078 alleles (0.00019%); highest among the groups gnomAD compares: Non-Finnish European, 0.00026%; no homozygotes.

Submissions (6):

Molecular Diagnostic Laboratory for Inherited Cardiovascular Disease, Montreal Heart Institute
Classification: Uncertain significance for Cardiovascular phenotype. Last evaluated: 2026-03-27. Review status: criteria provided, single submitter. Criteria: ACMG Guidelines, 2015. Collection method: clinical testing. Allele origin: germline. Affected: yes.
Comment: PS3_supp, PM2, PP3

Labcorp Genetics (formerly Invitae), Labcorp
Classification: Uncertain significance for Long QT syndrome. Last evaluated: 2025-12-24. Review status: criteria provided, single submitter. Criteria: Invitae Variant Classification Sherloc (09022015). Collection method: clinical testing. Allele origin: germline.
Comment: This sequence change replaces arginine, which is basic and polar, with glutamine, which is neutral and polar, at codon 511 of the CACNA1C protein (p.Arg511Gln). This variant is not present in population databases (gnomAD no frequency). This missense change has been observed in individual(s) with CACNA1C-related conditions (PMID: 35862440, 38254962). ClinVar contains an entry for this variant (Variation ID: 190641). Invitae Evidence Modeling of protein sequence and biophysical properties (such as structural, functional, and spatial information, amino acid conservation, physicochemical variation, residue mobility, and thermodynamic stability) has been performed for this missense variant. However, the output from this modeling did not meet the statistical confidence thresholds required to predict the impact of this variant on CACNA1C protein function. In summary, the available evidence is currently insufficient to determine the role of this variant in disease. Therefore, it has been classified as a Variant of Uncertain Significance.

GeneDx
Classification: Uncertain significance. Last evaluated: 2025-10-30. Review status: criteria provided, single submitter. Criteria: GeneDx Variant Classification Process June 2021. Collection method: clinical testing. Allele origin: germline. Affected: yes.
Comment: Identified in four individuals from the same family with non-syndromic long QT syndrome, however two of these individuals also harbored a variant in an additional gene associated with long QT syndrome (PMID: 35862440); Not observed at significant frequency in large population cohorts (gnomAD); In silico analysis supports that this missense variant has a deleterious effect on protein structure/function; This variant is associated with the following publications: (PMID: 35862440)

Ambry Genetics
Classification: Uncertain significance for Cardiovascular phenotype. Last evaluated: 2025-04-17. Review status: criteria provided, single submitter. Criteria: Ambry Variant Classification Scheme 2023. Collection method: clinical testing. Allele origin: germline.
Comment: The p.R511Q variant (also known as c.1532G>A), located in coding exon 12 of the CACNA1C gene, results from a G to A substitution at nucleotide position 1532. The arginine at codon 511 is replaced by glutamine, an amino acid with highly similar properties. This variant has been reported in association with cardiomyopathy and long QT syndrome (Voka D et al. Genes (Basel), 2024 Jan;15:; Nakajima T et al. PLoS One, 2022 Jul;17:e0271796). This amino acid position is highly conserved in available vertebrate species. In addition, this alteration is predicted to be deleterious by in silico analysis. Based on the available evidence, the clinical significance of this variant remains unclear.

3billion
Classification: Uncertain significance for CACNA1C-related disorder. Last evaluated: 2024-10-24. Review status: criteria provided, single submitter. Criteria: ACMG Guidelines, 2015. Collection method: clinical testing. Allele origin: germline. Affected: yes.
Comment: The variant is observed at an extremely low frequency in the gnomAD v4.1.0 dataset (total allele frequency: <0.001%). Predicted Consequence/Location: Missense variant. Missense changes are a common disease-causing mechanism. Functional studies provide moderate evidence of the variant having a damaging effect on the gene or gene product (PMID: 35862440). In silico tool predictions suggest damaging effect of the variant on gene or gene product [REVEL: 0.87 (>=0.6, sensitivity 0.68 and specificity 0.92); 3Cnet: 0.84 (>=0.6, sensitivity 0.72 and precision 0.9)]. The same nucleotide change resulting in the same amino acid change has been previously reported to be associated with CACNA1C related disorder (PMID: 35862440). Therefore, this variant is classified as VUS according to the recommendation of ACMG/AMP guideline.

Blueprint Genetics
Classification: Likely pathogenic for CACNA1C-related disorders. Last evaluated: 2023-12-11. Review status: criteria provided, single submitter. Criteria: ACMG Guidelines, 2015. Collection method: clinical testing. Allele origin: germline. Affected: yes. Observed: 1 variant allele.

Literature cited by the submitters: PubMed 35862440 (cited by 3 submitters); PubMed 38254962 (cited by Labcorp Genetics (formerly Invitae), Labcorp and Ambry Genetics).

NM_000719.7(CACNA1C):c.1532G>A (p.Arg511Gln)

Gene: CACNA1C (calcium voltage-gated channel subunit alpha1 C; plus strand). Cytogenetic location: 12p13.33.
Variant type: single nucleotide variant.
Coding change: c.1532G>A on transcript NM_000719.7 (MANE Select); coding-DNA position 1532, G replaced by A.
Protein change: p.Arg511Gln; replaces arginine 511 with glutamine.
Molecular consequence: missense variant.
Genome position (GRCh38, 1-based): chr12:2,566,445, G>A. VCF-style: chr12-2566445-G-A. GRCh37 (hg19) VCF-style: chr12-2675611-G-A.
Other names: p.R511Q:CGG>CAG; c.1532G>A, p.Arg511Gln (NM_001129837.2, NM_001129838.2, NM_001129839.2 and 18 more transcripts); c.1523G>A, p.Arg508Gln (NM_001129844.2); c.1532G>A (NM_199460.3); short protein forms R511Q, R508Q.
Identifiers: ClinVar variation 190641 (VCV000190641.17), dbSNP rs786205747, ClinGen allele CA301300.